The following is an entry in ClinVar:

ClinVar aggregate classification (germline): Uncertain significance (1 of 4 stars; one submission).

Conditions:
ATP2B2-related disorder. Also called: ATP2B2-related condition.

Submission:

PreventionGenetics, part of Exact Sciences
Classification: Uncertain significance for ATP2B2-related condition. Last evaluated: 2026-04-09. Review status: criteria provided, single submitter. Criteria: ACMG Guidelines, 2015. Collection method: clinical testing. Allele origin: germline.
Comment: The ATP2B2 c.2704A>G variant is predicted to result in the amino acid substitution p.Ile902Val. To our knowledge, this variant has not been reported in the literature or in a large population database (gnomAD), indicating this variant is rare. At this time, the clinical significance of this variant is uncertain due to the absence of conclusive functional and genetic evidence.

NM_001001331.4(ATP2B2):c.2839A>G (p.Ile947Val)

Gene: ATP2B2 (ATPase plasma membrane Ca2+ transporting 2; minus strand). Cytogenetic location: 3p25.3.
Variant type: single nucleotide variant.
Coding change: c.2839A>G on transcript NM_001001331.4 (MANE Select); coding-DNA position 2839, A replaced by G.
Protein change: p.Ile947Val; replaces isoleucine 947 with valine.
Molecular consequence: missense variant.
Genome position (GRCh38, 1-based): chr3:10,342,830, T>C on the plus strand (A>G on the coding strand, the complement: ATP2B2 is on the minus strand). VCF-style: chr3-10342830-T-C. GRCh37 (hg19) VCF-style: chr3-10384514-T-C.
Other names: c.2704A>G, p.Ile902Val (NM_001330611.3, NM_001353564.1, NM_001363862.1 and 2 more transcripts); c.2746A>G, p.Ile916Val (NM_001438646.1); short protein forms I916V, I902V, I947V.
Identifiers: ClinVar variation 4992532 (VCV004992532.1).